The following is an entry in ClinVar:

NM_033380.3(COL4A5):c.2678G>A (p.Gly893Asp)

Gene: COL4A5 (collagen type IV alpha 5 chain; plus strand). Cytogenetic location: Xq22.3.
Variant type: single nucleotide variant.
Coding change: c.2678G>A on transcript NM_033380.3 (MANE Select); coding-DNA position 2678, G replaced by A.
Protein change: p.Gly893Asp; replaces glycine 893 with aspartic acid.
Molecular consequence: missense variant.
Genome position (GRCh38, 1-based): chrX:108,621,803, G>A. VCF-style: chrX-108621803-G-A. GRCh37 (hg19) VCF-style: chrX-107865033-G-A.
Other names: c.2678G>A, p.Gly893Asp (NM_000495.5); short protein forms G893D.
Identifiers: ClinVar variation 2627505 (VCV002627505.6), dbSNP rs397515496, ClinGen allele CA413851839.

ClinVar aggregate classification (germline): Conflicting classifications of pathogenicity. Review status: criteria provided, conflicting classifications (1 of 4 stars). 4 submissions from 4 submitters: Likely pathogenic (2); Uncertain significance (2). Last evaluated 2022-12-21.

Conditions:
X-linked Alport syndrome (ATS1). Also called: NEPHROPATHY AND DEAFNESS, X-LINKED; COL4A5-Related Nephropathy. Identifiers: Orphanet 63, Orphanet 88917, MedGen C4746986, MONDO:0010520, OMIM 301050.

Submissions (4):

Labcorp Genetics (formerly Invitae), Labcorp
Classification: Likely pathogenic. Last evaluated: 2022-12-21. Review status: criteria provided, single submitter. Criteria: Invitae Variant Classification Sherloc (09022015). Collection method: clinical testing. Allele origin: germline.
Comment: In summary, the currently available evidence indicates that the variant is pathogenic, but additional data are needed to prove that conclusively. Therefore, this variant has been classified as Likely Pathogenic. This variant disrupts the triple helix domain of COL4A5. Glycine residues within the Gly-Xaa-Yaa repeats of the triple helix domain are required for the structure and stability of fibrillar collagens (PMID: 7695699, 8218237, 19344236). In COL4A5, missense variants at these glycine residues are significantly enriched in individuals with disease (PMID: 23720012, 27627812) compared to the general population (ExAC). Algorithms developed to predict the effect of sequence changes on RNA splicing suggest that this variant may disrupt the consensus splice site. Algorithms developed to predict the effect of missense changes on protein structure and function are either unavailable or do not agree on the potential impact of this missense change (SIFT: "Deleterious"; PolyPhen-2: "Not Available"; Align-GVGD: "Class C65"). This variant has not been reported in the literature in individuals affected with COL4A5-related conditions. This variant is not present in population databases (gnomAD no frequency). This sequence change replaces glycine, which is neutral and non-polar, with aspartic acid, which is acidic and polar, at codon 893 of the COL4A5 protein (p.Gly893Asp).

Department of Nephrology, Rheumatology and Immunology, Shanghai Children's Hospital
Classification: Uncertain significance for X-linked Alport syndrome. Last evaluated: 2020-06-25. Review status: criteria provided, single submitter. Criteria: ACMG Guidelines, 2015. Collection method: clinical testing. Allele origin: de novo. Affected: yes. Observed: 1 variant allele.
Comment: The NM_033380.3(COL4A5):c.2678G>A (p.Gly893Asp) is a missense variant located in a Gly-X-Y repeat of the collagenous domain of COL4A5. This variant is reported to have an extremely low frequency in the gnomAD v3.1.2 (GRCh38) population database (PM2). While the variant is reported as a de novo occurrence, formal parental identity testing (e.g., via STR or SNP analysis) was not performed to satisfy the stringent requirements for PS2 or PM6 criteria (internal data). Multiple computational tools predict this variant to have a deleterious effect on the protein product (PP3). In summary, this variant meets criteria to be classified as Uncertain Significance for Alport syndrome based on the ACMG/AMP 2015 criteria applied: PM2, PP3, PP4.

Clinical Genetics Service, Universitary Hospital 12 de Octubre
Classification: Likely pathogenic for X-linked Alport syndrome. Review status: criteria provided, single submitter. Criteria: ACMG Guidelines, 2015. Collection method: clinical testing. Allele origin: germline. Affected: yes.

Neuberg Centre For Genomic Medicine, NCGM
Classification: Uncertain significance for X-linked Alport syndrome. Review status: criteria provided, single submitter. Criteria: ACMG Guidelines, 2015. Collection method: clinical testing. Allele origin: germline. Inheritance: X-linked dominant inheritance. Affected: yes.
Comment: The missense variant p.G893D in COL4A5 (NM_000495.5) has not been reported previously as a pathogenic variant nor as a benign variant, to our knowledge. The p.G893D variant is novel (not in any individuals) in gnomAD Exomes and is novel (not in any individuals) in 1000 Genomes. The gene COL4A5 contains 202 pathogenic missense variants, indicating that missense variants are a common mechanism of disease in this gene. The p.G893D missense variant is predicted to be damaging by both SIFT and PolyPhen2. The nucleotide c.2678 in COL4A5 is predicted conserved by GERP++ and PhyloP across 100 vertebrates. For these reasons, this variant has been classified as Uncertain Significance.

Literature cited by the submitters: PubMed 7695699 (cited by Labcorp Genetics (formerly Invitae), Labcorp); PubMed 8218237 (cited by Labcorp Genetics (formerly Invitae), Labcorp); PubMed 19344236 (cited by Labcorp Genetics (formerly Invitae), Labcorp); PubMed 23720012 (cited by Labcorp Genetics (formerly Invitae), Labcorp); PubMed 27627812 (cited by Labcorp Genetics (formerly Invitae), Labcorp).